The following is an entry in ClinVar:

ClinVar aggregate classification (germline): Uncertain significance. Review status: criteria provided, multiple submitters, no conflicts (2 of 4 stars). 4 submissions from 4 submitters: Uncertain significance (4). Last evaluated 2024-11-29.

Conditions:
Hereditary cancer-predisposing syndrome. Also called: Tumor predisposition; Hereditary Cancer Syndrome; Neoplastic Syndromes, Hereditary; Hereditary neoplastic syndrome. Identifiers: Orphanet 140162, MedGen C0027672, MeSH D009386, MONDO:0015356.
Ataxia-telangiectasia syndrome (AT). Also called: Cerebello-oculocutaneous telangiectasia; Immunodeficiency with ataxia telangiectasia; Ataxia-telangiectasia, complementation group D; AT, COMPLEMENTATION GROUP C; Ataxia-telangiectasia, complementation group E; LOUIS-BAR SYNDROME. Identifiers: Orphanet 100, MedGen C0004135, MONDO:0008840, OMIM 208900.

Submissions (4):

Ambry Genetics
Classification: Uncertain significance for Hereditary cancer-predisposing syndrome. Last evaluated: 2024-11-29. Review status: criteria provided, single submitter. Criteria: Ambry Variant Classification Scheme 2023. Collection method: clinical testing. Allele origin: germline.
Comment: The p.C541S variant (also known as c.1622G>C), located in coding exon 10 of the ATM gene, results from a G to C substitution at nucleotide position 1622. The cysteine at codon 541 is replaced by serine, an amino acid with dissimilar properties. This amino acid position is well conserved in available vertebrate species. In addition, the in silico prediction for this alteration is inconclusive. Based on the available evidence, the clinical significance of this variant remains unclear.

Labcorp Genetics (formerly Invitae), Labcorp
Classification: Uncertain significance for Ataxia-telangiectasia syndrome. Last evaluated: 2024-04-29. Review status: criteria provided, single submitter. Criteria: Invitae Variant Classification Sherloc (09022015). Collection method: clinical testing. Allele origin: germline.
Comment: This sequence change replaces cysteine, which is neutral and slightly polar, with serine, which is neutral and polar, at codon 541 of the ATM protein (p.Cys541Ser). This variant is not present in population databases (gnomAD no frequency). This variant has not been reported in the literature in individuals affected with ATM-related conditions. ClinVar contains an entry for this variant (Variation ID: 453378). An algorithm developed to predict the effect of missense changes on protein structure and function (PolyPhen-2) suggests that this variant is likely to be tolerated. In summary, the available evidence is currently insufficient to determine the role of this variant in disease. Therefore, it has been classified as a Variant of Uncertain Significance.

Color Diagnostics, LLC DBA Color Health
Classification: Uncertain significance for Hereditary cancer-predisposing syndrome. Last evaluated: 2020-08-25. Review status: criteria provided, single submitter. Criteria: ACMG Guidelines, 2015. Collection method: clinical testing. Allele origin: germline.
Comment: This missense variant replaces cysteine with serine at codon 541 of the ATM protein. Computational prediction suggests that this variant may not impact protein structure and function (internally defined REVEL score threshold <= 0.5, PMID: 27666373). To our knowledge, functional studies have not been reported for this variant. This variant has not been reported in individuals affected with hereditary cancer in the literature. This variant has not been identified in the general population by the Genome Aggregation Database (gnomAD). The available evidence is insufficient to determine the role of this variant in disease conclusively. Therefore, this variant is classified as a Variant of Uncertain Significance.

GeneDx
Classification: Uncertain significance. Last evaluated: 2019-04-16. Review status: criteria provided, single submitter. Criteria: GeneDx Variant Classification Process June 2021. Collection method: clinical testing. Allele origin: germline. Affected: yes.
Comment: Not observed in large population cohorts (Lek et al., 2016); Has not been previously published as pathogenic or benign to our knowledge

NM_000051.4(ATM):c.1622G>C (p.Cys541Ser)

Gene: ATM (ATM serine/threonine kinase; plus strand). Cytogenetic location: 11q22.3.
Variant type: single nucleotide variant.
Coding change: c.1622G>C on transcript NM_000051.4 (MANE Select); coding-DNA position 1622, G replaced by C.
Protein change: p.Cys541Ser; replaces cysteine 541 with serine.
Molecular consequence: missense variant.
Genome position (GRCh38, 1-based): chr11:108,251,851, G>C. VCF-style: chr11-108251851-G-C. GRCh37 (hg19) VCF-style: chr11-108122578-G-C.
Other names: c.1622G>C, p.Cys541Ser (NM_001351834.2); short protein forms C541S.
Identifiers: ClinVar variation 453378 (VCV000453378.13), dbSNP rs1555071682, ClinGen allele CA382534498.